The following is an entry in ClinVar:

NM_000400.4(ERCC2):c.1824C>G (p.Ile608Met)

Gene: ERCC2 (ERCC excision repair 2, TFIIH core complex helicase subunit; minus strand). Cytogenetic location: 19q13.32.
Variant type: single nucleotide variant.
Coding change: c.1824C>G on transcript NM_000400.4 (MANE Select); coding-DNA position 1824, C replaced by G.
Protein change: p.Ile608Met; replaces isoleucine 608 with methionine.
Molecular consequence: missense variant.
Genome position (GRCh38, 1-based): chr19:45,353,090, G>C on the plus strand (C>G on the coding strand, the complement: ERCC2 is on the minus strand). VCF-style: chr19-45353090-G-C. GRCh37 (hg19) VCF-style: chr19-45856348-G-C.
Other names: short protein forms I608M.
Identifiers: ClinVar variation 1780808 (VCV001780808.2), dbSNP rs755145728, ClinGen allele CA9513067.

ClinVar aggregate classification (germline): Uncertain significance (1 of 4 stars; one submission).

Conditions:
Inborn genetic diseases. Identifiers: MedGen C0950123, MeSH D030342.

Allele frequency attached by ClinVar (database versions not stated): TOPMed 0.00001.
gnomAD v4.1: 4 of 1,612,766 alleles (0.00025%); highest among the groups gnomAD compares: Non-Finnish European, 0.00034%; no homozygotes.

Submission:

Ambry Genetics
Classification: Uncertain significance for Inborn genetic diseases. Last evaluated: 2022-06-24. Review status: criteria provided, single submitter. Criteria: Ambry Variant Classification Scheme 2023. Collection method: clinical testing. Allele origin: germline.
Comment: The p.I608M variant (also known as c.1824C>G), located in coding exon 19 of the ERCC2 gene, results from a C to G substitution at nucleotide position 1824. The isoleucine at codon 608 is replaced by methionine, an amino acid with highly similar properties. This amino acid position is conserved. In addition, this alteration is predicted to be deleterious by in silico analysis. Since supporting evidence is limited at this time, the clinical significance of this alteration remains unclear.